The following is an entry in ClinVar:

ClinVar aggregate classification (germline): Uncertain significance (1 of 4 stars; one submission).

gnomAD v4.1: 1 of 1,613,144 alleles (0.000062%); highest among the groups gnomAD compares: Non-Finnish European, 0.000085%; no homozygotes.

Submission:

Labcorp Genetics (formerly Invitae), Labcorp
Classification: Uncertain significance. Last evaluated: 2025-12-20. Review status: criteria provided, single submitter. Criteria: Invitae Variant Classification Sherloc (09022015). Collection method: clinical testing. Allele origin: germline.
Comment: This sequence change replaces valine, which is neutral and non-polar, with glycine, which is neutral and non-polar, at codon 1395 of the COL11A1 protein (p.Val1395Gly). This variant is not present in population databases (gnomAD no frequency). This variant has not been reported in the literature in individuals affected with COL11A1-related conditions. Invitae Evidence Modeling of protein sequence and biophysical properties (such as structural, functional, and spatial information, amino acid conservation, physicochemical variation, residue mobility, and thermodynamic stability) indicates that this missense variant is not expected to disrupt COL11A1 protein function with a negative predictive value of 80%. In summary, the available evidence is currently insufficient to determine the role of this variant in disease. Therefore, it has been classified as a Variant of Uncertain Significance.

NM_001854.4(COL11A1):c.4184T>G (p.Val1395Gly)

Gene: COL11A1 (collagen type XI alpha 1 chain; minus strand). Cytogenetic location: 1p21.1.
Variant type: single nucleotide variant.
Coding change: c.4184T>G on transcript NM_001854.4 (MANE Select); coding-DNA position 4184, T replaced by G.
Protein change: p.Val1395Gly; replaces valine 1395 with glycine.
Molecular consequence: missense variant. On other transcripts: non-coding transcript variant (1).
Genome position (GRCh38, 1-based): chr1:102,898,730, A>C on the plus strand (T>G on the coding strand, the complement: COL11A1 is on the minus strand). VCF-style: chr1-102898730-A-C. GRCh37 (hg19) VCF-style: chr1-103364286-A-C.
Other names: c.4067T>G, p.Val1356Gly (NM_001190709.2); c.4220T>G, p.Val1407Gly (NM_080629.3); c.3836T>G, p.Val1279Gly (NM_080630.4); short protein forms V1279G, V1356G, V1395G, V1407G.
Identifiers: ClinVar variation 4742229 (VCV004742229.1).
Genomic context (GRCh38, chr1:102,898,730, plus strand): 5'-GGACCAGGGATGCCCCGAAGACCTTCTGGACCAGGCTTTCCTGCAGGTCCCTGAGGACCG[A>C]CTGGGCCGGTTTTTCCAGGAGGACCTTCTGCACCTGCTTCCCCCTGTTAGAAAGTAAAAT-3'
Protein context (NP_001845.3, residues 1385-1405): AEGPPGKTGP[Val1395Gly]GPQGPAGKPG